The following is an entry in ClinVar:

ClinVar aggregate classification (germline): Likely pathogenic. Review status: criteria provided, multiple submitters, no conflicts (2 of 4 stars). 3 submissions from 3 submitters: Likely pathogenic (3). Last evaluated 2024-05-09.

Conditions:
Corticosterone 18-monooxygenase deficiency. Also called: STEROID 18-HYDROXYLASE DEFICIENCY; ALDOSTERONE DEFICIENCY DUE TO DEFECT IN STEROID 18-HYDROXYLASE; ALDOSTERONE DEFICIENCY I; CMO I DEFICIENCY; 18 Hydroxylase deficiency; Aldosterone deficiency due to defect in 18 hydroxylase. Identifiers: Orphanet 427, MedGen C0268293, MONDO:0008751, OMIM 203400. Disease mechanism: loss of function.
Corticosterone methyloxidase type 2 deficiency. Also called: CMO II DEFICIENCY; STEROID 18-OXIDASE DEFICIENCY; 18-OXIDASE DEFICIENCY; ALDOSTERONE DEFICIENCY DUE TO DEFICIENCY OF STEROID 18-OXIDASE; ALDOSTERONE DEFICIENCY II. Identifiers: Orphanet 427, MedGen C3463917, MONDO:0012524, OMIM 610600. Disease mechanism: loss of function.
Corticosterone methyl oxidase type II deficiency.

Allele frequency attached by ClinVar (database versions not stated): gnomAD exomes below 0.00001; TOPMed 0.00001.
gnomAD v4.1: 2 of 1,614,150 alleles (0.00012%); highest among the groups gnomAD compares: Admixed American, 0.0033%; no homozygotes.

Submissions (3):

Natera, Inc.
Classification: Likely pathogenic for Corticosterone methyl oxidase type II deficiency. Last evaluated: 2024-05-09. Review status: criteria provided, single submitter. Criteria: Natera Variant Classification Schema (03/2026). Collection method: clinical testing. Allele origin: germline.
Comment: The c.395+1G>A variant in CYP11B2 is a canonical splice donor site variant predicted to affect pre-mRNA splicing, which may result in an abnormal transcript and altered protein product. This variant is expected to result in nonsense mediated decay, truncation, or a dysfunctional protein product. This variant is rare in the general population with a frequency below the threshold expected for the associated phenotype(s). Given the available evidence, this variant is classified as Likely Pathogenic.

Fulgent Genetics
Classification: Likely pathogenic for Corticosterone 18-monooxygenase deficiency; Corticosterone methyloxidase type 2 deficiency. Last evaluated: 2024-01-15. Review status: criteria provided, single submitter. Criteria: ACMG Guidelines, 2015. Collection method: clinical testing. Allele origin: germline.

Labcorp Genetics (formerly Invitae), Labcorp
Classification: Likely pathogenic. Last evaluated: 2023-05-11. Review status: criteria provided, single submitter. Criteria: Invitae Variant Classification Sherloc (09022015). Collection method: clinical testing. Allele origin: germline.
Comment: In summary, the currently available evidence indicates that the variant is pathogenic, but additional data are needed to prove that conclusively. Therefore, this variant has been classified as Likely Pathogenic. Algorithms developed to predict the effect of sequence changes on RNA splicing suggest that this variant may disrupt the consensus splice site. ClinVar contains an entry for this variant (Variation ID: 971333). This variant has not been reported in the literature in individuals affected with CYP11B2-related conditions. This variant is present in population databases (rs774948236, gnomAD 0.006%). This sequence change affects a donor splice site in intron 2 of the CYP11B2 gene. It is expected to disrupt RNA splicing. Variants that disrupt the donor or acceptor splice site typically lead to a loss of protein function (PMID: 16199547), and loss-of-function variants in CYP11B2 are known to be pathogenic (PMID: 20494601, 22801770, 26936515).

Literature cited by the submitters: PubMed 16199547 (cited by Labcorp Genetics (formerly Invitae), Labcorp); PubMed 20494601 (cited by Labcorp Genetics (formerly Invitae), Labcorp); PubMed 22801770 (cited by Labcorp Genetics (formerly Invitae), Labcorp); PubMed 26936515 (cited by Labcorp Genetics (formerly Invitae), Labcorp).

NM_000498.3(CYP11B2):c.395+1G>A

Genes: CYP11B2 (cytochrome P450 family 11 subfamily B member 2; minus strand), LOC106799834 (CYP11B2 recombination region; plus strand). Cytogenetic location: 8q24.3.
Variant type: single nucleotide variant.
Coding change: c.395+1G>A on transcript NM_000498.3 (MANE Select); the canonical splice donor site of the intron after coding-DNA position 395, G replaced by A.
Molecular consequence: splice donor variant.
Genome position (GRCh38, 1-based): chr8:142,917,058, C>T on the plus strand (G>A on the coding strand, the complement: CYP11B2 is on the minus strand). VCF-style: chr8-142917058-C-T. GRCh37 (hg19) VCF-style: chr8-143998474-C-T.
Identifiers: ClinVar variation 971333 (VCV000971333.11), dbSNP rs774948236, ClinGen allele CA4906270.